The following is an entry in ClinVar:

NM_001170629.2(CHD8):c.-3A>G

Gene: CHD8 (chromodomain helicase DNA binding protein 8; minus strand). Cytogenetic location: 14q11.2.
Variant type: single nucleotide variant.
Coding change: c.-3A>G on transcript NM_001170629.2 (MANE Select); 3 bases upstream of the start codon, A replaced by G.
Molecular consequence: 5 prime UTR variant. On other transcripts: intron variant (1).
Genome position (GRCh38, 1-based): chr14:21,431,646, T>C on the plus strand (A>G on the coding strand, the complement: CHD8 is on the minus strand). VCF-style: chr14-21431646-T-C. GRCh37 (hg19) VCF-style: chr14-21899805-T-C.
Other names: c.6+165A>G (NM_020920.4).
Identifiers: ClinVar variation 1308057 (VCV001308057.2), dbSNP rs1331518100, ClinGen allele CA612384665.

ClinVar aggregate classification (germline): Uncertain significance (1 of 4 stars; one submission).

Allele frequency attached by ClinVar (database versions not stated): gnomAD 0.00001; gnomAD exomes 0.00001 and 0.00002.
gnomAD v4.1: 5 of 1,546,678 alleles (0.00032%); highest among the groups gnomAD compares: Admixed American, 0.0098%; no homozygotes.

Submission:

GeneDx
Classification: Uncertain significance. Last evaluated: 2019-08-26. Review status: criteria provided, single submitter. Criteria: GeneDx Variant Classification Process June 2021. Collection method: clinical testing. Allele origin: germline. Affected: yes.
Comment: Nucleotide substitution has no predicted effect on splicing and is not conserved across species; Has not been previously published as pathogenic or benign to our knowledge